The following is an entry in ClinVar:

NM_002577.4(PAK2):c.519T>G (p.Asp173Glu)

Gene: PAK2 (p21 (RAC1) activated kinase 2; plus strand). Cytogenetic location: 3q29.
Variant type: single nucleotide variant.
Coding change: c.519T>G on transcript NM_002577.4 (MANE Select); coding-DNA position 519, T replaced by G.
Protein change: p.Asp173Glu; replaces aspartic acid 173 with glutamic acid.
Molecular consequence: missense variant.
Genome position (GRCh38, 1-based): chr3:196,806,629, T>G. VCF-style: chr3-196806629-T-G. GRCh37 (hg19) VCF-style: chr3-196533500-T-G.
Other names: short protein forms D173E.
Identifiers: ClinVar variation 2240036 (VCV002240036.3), dbSNP rs565026135, ClinGen allele CA2782595.

ClinVar aggregate classification (germline): Conflicting classifications of pathogenicity. Review status: criteria provided, conflicting classifications (1 of 4 stars). 2 submissions from 2 submitters: Uncertain significance (1); Likely benign (1). Last evaluated 2025-07-07.

Conditions:
PAK2-related disorder. Also called: PAK2-related condition.

Allele frequency attached by ClinVar (database versions not stated): gnomAD 0.00005; ExAC 0.00013; 1000 Genomes Project 30x 0.00031; 1000 Genomes Project 0.00040.
gnomAD v4.1: 93 of 1,613,180 alleles (0.0058%); highest among the groups gnomAD compares: South Asian, 0.079%; 1 homozygote.

Submissions (2):

PreventionGenetics, part of Exact Sciences
Classification: Likely benign for PAK2-related condition. Last evaluated: 2025-07-07. Review status: criteria provided, single submitter. Criteria: ACMG Guidelines, 2015. Collection method: clinical testing. Allele origin: germline.
Comment: This variant is classified as likely benign based on ACMG/AMP sequence variant interpretation guidelines (Richards et al. 2015 PMID: 25741868, with internal and published modifications).

Ambry Genetics
Classification: Uncertain significance. Last evaluated: 2021-08-02. Review status: criteria provided, single submitter. Criteria: Ambry Variant Classification Scheme 2023. Collection method: clinical testing. Allele origin: germline.